The following is an entry in ClinVar:

ClinVar aggregate classification (germline): Pathogenic (1 of 4 stars; one submission).

Conditions:
Neurofibromatosis, type 1 (NF1). Also called: Neurofibromatosis, type I; VON RECKLINGHAUSEN DISEASE; NEUROFIBROMATOSIS, TYPE I, SOMATIC; Peripheral type neurofibromatosis. Identifiers: Orphanet 636, MedGen C0027831, MONDO:0018975, OMIM 162200. Disease mechanism: loss of function.

Submission:

Labcorp Genetics (formerly Invitae), Labcorp
Classification: Pathogenic for Neurofibromatosis, type 1. Last evaluated: 2023-02-25. Review status: criteria provided, single submitter. Criteria: Invitae Variant Classification Sherloc (09022015). Collection method: clinical testing. Allele origin: germline.
Comment: For these reasons, this variant has been classified as Pathogenic. This variant has not been reported in the literature in individuals affected with NF1-related conditions. This variant is not present in population databases (gnomAD no frequency). This sequence change creates a premature translational stop signal (p.Asp1460Valfs*2) in the NF1 gene. It is expected to result in an absent or disrupted protein product. Loss-of-function variants in NF1 are known to be pathogenic (PMID: 10712197, 23913538).

Literature cited by the submitters: PubMed 10712197; PubMed 23913538.

NM_001042492.3(NF1):c.4442del (p.Asp1481fs)

Gene: NF1 (neurofibromin 1; plus strand). Cytogenetic location: 17q11.2.
Variant type: Deletion.
Coding change: c.4442del on transcript NM_001042492.3 (MANE Select); coding-DNA position 4442, one base deleted (A; older notation c.4442delA).
Protein change: p.Asp1481fs; shifts the reading frame from aspartic acid 1481.
Molecular consequence: frameshift variant.
Genome position (GRCh38, 1-based): chr17:31,260,380, A deleted. VCF-style (leftmost placement, unchanged base first): chr17-31260379-GA-G. GRCh37 (hg19) VCF-style: chr17-29587397-GA-G.
Other names: c.4379delA, p.Asp1460Valfs (NM_000267.4); short protein forms D1460fs, D1481fs.
Identifiers: ClinVar variation 2840834 (VCV002840834.3), dbSNP rs2508420575, ClinGen allele CA2739267400.